The following is an entry in ClinVar:

ClinVar aggregate classification (germline): Uncertain significance (1 of 4 stars; one submission).

Allele frequency attached by ClinVar (database versions not stated): TOPMed 0.00001.

Submission:

Labcorp Genetics (formerly Invitae), Labcorp
Classification: Uncertain significance. Last evaluated: 2024-02-28. Review status: criteria provided, single submitter. Criteria: Invitae Variant Classification Sherloc (09022015). Collection method: clinical testing. Allele origin: germline.
Comment: This sequence change replaces isoleucine, which is neutral and non-polar, with methionine, which is neutral and non-polar, at codon 350 of the DDX58 protein (p.Ile350Met). This variant is not present in population databases (gnomAD no frequency). This variant has not been reported in the literature in individuals affected with DDX58-related conditions. Advanced modeling of protein sequence and biophysical properties (such as structural, functional, and spatial information, amino acid conservation, physicochemical variation, residue mobility, and thermodynamic stability) has been performed at Invitae for this missense variant, however the output from this modeling did not meet the statistical confidence thresholds required to predict the impact of this variant on DDX58 protein function. In summary, the available evidence is currently insufficient to determine the role of this variant in disease. Therefore, it has been classified as a Variant of Uncertain Significance.

NM_014314.4(RIGI):c.1050T>G (p.Ile350Met)

Gene: RIGI (RNA sensor RIG-I; minus strand). Cytogenetic location: 9p21.1.
Variant type: single nucleotide variant.
Coding change: c.1050T>G on transcript NM_014314.4 (MANE Select); coding-DNA position 1050, T replaced by G.
Protein change: p.Ile350Met; replaces isoleucine 350 with methionine.
Molecular consequence: missense variant.
Genome position (GRCh38, 1-based): chr9:32,488,107, A>C on the plus strand (T>G on the coding strand, the complement: RIGI is on the minus strand). VCF-style: chr9-32488107-A-C. GRCh37 (hg19) VCF-style: chr9-32488105-A-C.
Other names: c.1044T>G, p.Ile348Met (NM_001385907.1); c.1050T>G, p.Ile350Met (NM_001385909.1); c.609T>G, p.Ile203Met (NM_001385910.1); c.441T>G, p.Ile147Met (NM_001385912.1); c.1035T>G, p.Ile345Met (NM_001385913.1); c.606T>G, p.Ile202Met (NM_001385914.1); short protein forms I348M, I345M, I350M, I147M, I203M, I202M.
Identifiers: ClinVar variation 2707657 (VCV002707657.3), dbSNP rs948103159, ClinGen allele CA192380001.